The following is an entry in ClinVar:

NM_000053.4(ATP7B):c.2075T>C (p.Leu692Pro)

Gene: ATP7B (ATPase copper transporting beta; minus strand). Cytogenetic location: 13q14.3.
Variant type: single nucleotide variant.
Coding change: c.2075T>C on transcript NM_000053.4 (MANE Select); coding-DNA position 2075, T replaced by C.
Protein change: p.Leu692Pro; replaces leucine 692 with proline.
Molecular consequence: missense variant. On other transcripts: intron variant (13).
Genome position (GRCh38, 1-based): chr13:51,960,194, A>G on the plus strand (T>C on the coding strand, the complement: ATP7B is on the minus strand). VCF-style: chr13-51960194-A-G. GRCh37 (hg19) VCF-style: chr13-52534330-A-G.
Other names: c.2075T>C, p.Leu692Pro (NM_001406521.1, NM_001406522.1, NM_001406523.1 and 16 more transcripts); c.2042T>C, p.Leu681Pro (NM_001406524.1, NM_001406514.1); c.1979T>C, p.Leu660Pro (NM_001406530.1, NM_001406517.1, NM_001406518.1 and 1 more transcripts); c.1742T>C, p.Leu581Pro (NM_001243182.2); c.1646T>C, p.Leu549Pro (NM_001406539.1); c.1870-2587T>C (NM_001406541.1, NM_001005918.3, NM_001406546.1 and 1 more transcripts); c.1870-1650T>C (NM_001406531.1, NM_001406532.1, NM_001406540.1 and 1 more transcripts); c.1774-1650T>C (NM_001406543.1); and 3 more; short protein forms L549P, L581P, L660P, L681P, L692P.
Identifiers: ClinVar variation 3366744 (VCV003366744.1).

ClinVar aggregate classification (germline): Pathogenic (1 of 4 stars; one submission).

Conditions:
Wilson disease (WND). Also called: Wilson's disease. Identifiers: Orphanet 905, MedGen C0019202, MONDO:0010200, OMIM 277900. Disease mechanism: loss of function.

Submission:

Women's Health and Genetics/Laboratory Corporation of America, LabCorp
Classification: Pathogenic for Wilson disease. Last evaluated: 2024-08-30. Review status: criteria provided, single submitter. Criteria: LabCorp Variant Classification Summary - May 2015. Collection method: clinical testing. Allele origin: germline.
Comment: Variant summary: ATP7B c.2075T>C (p.Leu692Pro) results in a non-conservative amino acid change in the encoded protein sequence. Five of five in-silico tools predict a damaging effect of the variant on protein function. The variant was absent in 249206 control chromosomes. c.2075T>C has been reported in the literature in multiple compound heterozygous individuals affected with Wilson Disease (e.g. Yuan_WJP_2015, Zhang_2022, Zhu_2015). These data indicate that the variant is very likely to be associated with disease. To our knowledge, no experimental evidence demonstrating an impact on protein function has been reported. The following publications have been ascertained in the context of this evaluation (PMID: 26253413, 27706781, 26182283). No submitters have cited clinical-significance assessments for this variant to ClinVar. Based on the evidence outlined above, the variant was classified as pathogenic.

Literature cited by the submitters: PubMed 27706781; PubMed 26253413; PubMed 26182283.